The following is an entry in ClinVar:

ClinVar aggregate classification (germline): Conflicting classifications of pathogenicity. Review status: criteria provided, conflicting classifications (1 of 4 stars). 2 submissions from 2 submitters: Uncertain significance (1); Likely benign (1). Last evaluated 2025-08-19.

Conditions:
Wilms tumor 1 (WT1). Also called: Wilms tumor, somatic. Identifiers: Orphanet 654, MedGen CN033288, MONDO:0008679, OMIM 194070.

Allele frequency attached by ClinVar (database versions not stated): gnomAD exomes below 0.00001 and 0.00001; ESP Exome Variant Server 0.00009; ExAC 0.00001; gnomAD 0.00001; TOPMed 0.00003.
gnomAD v4.1: 2 of 1,206,970 alleles (0.00017%); highest among the groups gnomAD compares: African/African-American, 0.0035%; no homozygotes.

Submissions (2):

Labcorp Genetics (formerly Invitae), Labcorp
Classification: Likely benign for Wilms tumor 1. Last evaluated: 2025-08-19. Review status: criteria provided, single submitter. Criteria: Invitae Variant Classification Sherloc (09022015). Collection method: clinical testing. Allele origin: germline.

Women's Health and Genetics/Laboratory Corporation of America, LabCorp
Classification: Uncertain significance. Last evaluated: 2025-07-09. Review status: criteria provided, single submitter. Criteria: LabCorp Variant Classification Summary - May 2015. Collection method: clinical testing. Allele origin: germline.
Comment: Variant summary: GPC3 c.415C>T (p.Pro139Ser) results in a non-conservative amino acid change in the encoded protein sequence. Algorithms developed to predict the effect of missense changes on protein structure and function are either unavailable or do not agree on the potential impact of this missense change. The variant allele was found at a frequency of 1.1e-05 in 182582 control chromosomes. The available data on variant occurrences in the general population are insufficient to allow any conclusion about variant significance. To our knowledge, no occurrence of c.415C>T in individuals affected with Simpson-Golabi-Behmel Syndrome, Type 1 and no experimental evidence demonstrating its impact on protein function have been reported. ClinVar contains an entry for this variant (Variation ID: 696447). Based on the evidence outlined above, the variant was classified as uncertain significance.

NM_004484.4(GPC3):c.415C>T (p.Pro139Ser)

Gene: GPC3 (glypican 3; minus strand). Cytogenetic location: Xq26.2.
Variant type: single nucleotide variant.
Coding change: c.415C>T on transcript NM_004484.4 (MANE Select); coding-DNA position 415, C replaced by T.
Protein change: p.Pro139Ser; replaces proline 139 with serine.
Molecular consequence: missense variant.
Genome position (GRCh38, 1-based): chrX:133,754,099, G>A on the plus strand (C>T on the coding strand, the complement: GPC3 is on the minus strand). VCF-style: chrX-133754099-G-A. GRCh37 (hg19) VCF-style: chrX-132888126-G-A.
Other names: c.415C>T, p.Pro139Ser (NM_001164617.2); c.367C>T, p.Pro123Ser (NM_001164618.2); c.253C>T, p.Pro85Ser (NM_001164619.2); short protein forms P123S, P85S, P139S.
Identifiers: ClinVar variation 696447 (VCV000696447.12), dbSNP rs149261557, ClinGen allele CA10520831.